The following is an entry in ClinVar:

ClinVar aggregate classification (germline): Uncertain significance. Review status: criteria provided, multiple submitters, no conflicts (2 of 4 stars). 2 submissions from 2 submitters: Uncertain significance (2). Last evaluated 2022-06-04.

Conditions:
Nephronophthisis 9 (NPHP9). Identifiers: Orphanet 655, MedGen C3151188, MONDO:0013444, OMIM 613824.
Renal-hepatic-pancreatic dysplasia 2 (RHPD2). Identifiers: MedGen C3809434, MONDO:0014174, OMIM 615415.

Allele frequency attached by ClinVar (database versions not stated): gnomAD 0.00001 and 0.00005; ExAC 0.00006; ESP Exome Variant Server 0.00008; 1000 Genomes Project 30x 0.00062; 1000 Genomes Project 0.00080; gnomAD exomes 0.00001 and 0.00003; TOPMed 0.00001.
gnomAD v4.1: 22 of 1,613,850 alleles (0.0014%); highest among the groups gnomAD compares: South Asian, 0.018%; no homozygotes.

Submissions (2):

Labcorp Genetics (formerly Invitae), Labcorp
Classification: Uncertain significance for Nephronophthisis 9. Last evaluated: 2022-06-04. Review status: criteria provided, single submitter. Criteria: Invitae Variant Classification Sherloc (09022015). Collection method: clinical testing. Allele origin: germline.
Comment: This sequence change replaces methionine, which is neutral and non-polar, with valine, which is neutral and non-polar, at codon 329 of the NEK8 protein (p.Met329Val). This variant is present in population databases (rs142234912, gnomAD 0.02%). This variant has not been reported in the literature in individuals affected with NEK8-related conditions. ClinVar contains an entry for this variant (Variation ID: 853121). Algorithms developed to predict the effect of missense changes on protein structure and function are either unavailable or do not agree on the potential impact of this missense change (SIFT: "Deleterious"; PolyPhen-2: "Benign"; Align-GVGD: "Class C15"). Algorithms developed to predict the effect of sequence changes on RNA splicing suggest that this variant may create or strengthen a splice site. In summary, the available evidence is currently insufficient to determine the role of this variant in disease. Therefore, it has been classified as a Variant of Uncertain Significance.

Fulgent Genetics
Classification: Uncertain significance for Nephronophthisis 9; Renal-hepatic-pancreatic dysplasia 2. Last evaluated: 2022-04-04. Review status: criteria provided, single submitter. Criteria: ACMG Guidelines, 2015. Collection method: clinical testing. Allele origin: unknown.

NM_178170.3(NEK8):c.985A>G (p.Met329Val)

Gene: NEK8 (NIMA related kinase 8; plus strand). Cytogenetic location: 17q11.2.
Variant type: single nucleotide variant.
Coding change: c.985A>G on transcript NM_178170.3 (MANE Select); coding-DNA position 985, A replaced by G.
Protein change: p.Met329Val; replaces methionine 329 with valine.
Molecular consequence: missense variant.
Genome position (GRCh38, 1-based): chr17:28,737,914, A>G. VCF-style: chr17-28737914-A-G. GRCh37 (hg19) VCF-style: chr17-27064932-A-G.
Other names: short protein forms M329V.
Identifiers: ClinVar variation 853121 (VCV000853121.5), dbSNP rs142234912, ClinGen allele CA8467260.